The following is an entry in ClinVar:

ClinVar aggregate classification (germline): Pathogenic (1 of 4 stars; one submission).

Submission:

Labcorp Genetics (formerly Invitae), Labcorp
Classification: Pathogenic. Last evaluated: 2023-05-31. Review status: criteria provided, single submitter. Criteria: Invitae Variant Classification Sherloc (09022015). Collection method: clinical testing. Allele origin: germline.
Comment: For these reasons, this variant has been classified as Pathogenic. A similar copy number variant has been observed in individual(s) with leiomyomatosis and renal cell cancer (PMID: 22382802). This variant is a gross deletion of the genomic region encompassing exon(s) 6 of the FH gene. This deletion is out-of-frame, and is expected to create a premature termination codon and result in an absent or disrupted protein product. Loss-of-function variants in FH are known to be pathogenic (PMID: 11865300, 21398687).

Literature cited by the submitters: PubMed 22382802; PubMed 11865300; PubMed 21398687.

NC_000001.11:g.(?_241505993)_(241506178_?)del

Gene: FH (fumarate hydratase; minus strand). Cytogenetic location: 1q43.
Variant type: Deletion.
Identifiers: ClinVar variation 583507 (VCV000583507.45).